The following is an entry in ClinVar:

ClinVar aggregate classification (germline): Uncertain significance. Review status: criteria provided, multiple submitters, no conflicts (2 of 4 stars). 4 submissions from 4 submitters: Uncertain significance (4). Last evaluated 2024-04-28.

Conditions:
Hypertrophic cardiomyopathy 1 (CMH1). Also called: MYH7-Related Familial Hypertrophic Cardiomyopathy; Familial hypertrophic cardiomyopathy 1. Identifiers: MedGen C3495498, MONDO:0008647, OMIM 192600.

Allele frequency attached by ClinVar (database versions not stated): ExAC 0.00002; TOPMed 0.00009; gnomAD exomes 0.00001 and below 0.00001; gnomAD 0.00008 and 0.00009.

Submissions (4):

Ambry Genetics
Classification: Uncertain significance. Last evaluated: 2024-04-28. Review status: criteria provided, single submitter. Criteria: Ambry Variant Classification Scheme 2023. Collection method: clinical testing. Allele origin: germline.
Comment: The p.V240A variant (also known as c.719T>C), located in coding exon 3 of the MYLK2 gene, results from a T to C substitution at nucleotide position 719. The valine at codon 240 is replaced by alanine, an amino acid with similar properties. This amino acid position is conserved. In addition, this alteration is predicted to be tolerated by in silico analysis. Since supporting evidence is limited at this time, the clinical significance of this alteration remains unclear.

GeneDx
Classification: Uncertain significance. Last evaluated: 2021-10-20. Review status: criteria provided, single submitter. Criteria: GeneDx Variant Classification Process June 2021. Collection method: clinical testing. Allele origin: germline. Affected: yes.
Comment: Has not been previously published as pathogenic or benign to our knowledge; Not observed at a significant frequency in large population cohorts (Lek et al., 2016); In silico analysis supports that this missense variant does not alter protein structure/function; Reported in ClinVar as a variant of uncertain significance (ClinVar Variant ID# 164503; Landrum et al., 2016)

Labcorp Genetics (formerly Invitae), Labcorp
Classification: Uncertain significance for Hypertrophic cardiomyopathy 1. Last evaluated: 2021-05-12. Review status: criteria provided, single submitter. Criteria: Invitae Variant Classification Sherloc (09022015). Collection method: clinical testing. Allele origin: germline.
Comment: In summary, the available evidence is currently insufficient to determine the role of this variant in disease. Therefore, it has been classified as a Variant of Uncertain Significance. Algorithms developed to predict the effect of missense changes on protein structure and function output the following: SIFT: "Tolerated"; PolyPhen-2: "Benign"; Align-GVGD: "Class C0". The alanine amino acid residue is found in multiple mammalian species, suggesting that this missense change does not adversely affect protein function. These predictions have not been confirmed by published functional studies and their clinical significance is uncertain. This variant has not been reported in the literature in individuals with MYLK2-related conditions. ClinVar contains an entry for this variant (Variation ID: 164503). This variant is present in population databases (rs531015124, ExAC 0.02%). This sequence change replaces valine with alanine at codon 240 of the MYLK2 protein (p.Val240Ala). The valine residue is moderately conserved and there is a small physicochemical difference between valine and alanine.

Laboratory for Molecular Medicine, Mass General Brigham Personalized Medicine
Classification: Uncertain significance. Last evaluated: 2014-06-19. Review status: criteria provided, single submitter. Criteria: LMM Criteria. Collection method: clinical testing. Allele origin: germline. Observed: 1 variant allele.
Comment: Variant classified as Uncertain Significance - Favor Benign. The Val240Ala varia nt in MYLK2 has not been previously identified in individuals with cardiomyopath y or in large population studies. Valine (Val) at position 240 is not conserved in mammals or evolutionarily distant species, and the change to Alanine (Ala) is present in pig and bat, supporting that a change at this position may be tolera ted. Additional computational prediction tools do not provide strong support for or against an impact to the protein. In summary, while the clinical significanc e of the Val240Ala variant is uncertain, these data suggest that it is more like ly to be benign.

NM_033118.4(MYLK2):c.719T>C (p.Val240Ala)

Gene: MYLK2 (myosin light chain kinase 2; plus strand). Cytogenetic location: 20q11.21.
Variant type: single nucleotide variant.
Coding change: c.719T>C on transcript NM_033118.4 (MANE Select); coding-DNA position 719, T replaced by C.
Protein change: p.Val240Ala; replaces valine 240 with alanine.
Molecular consequence: missense variant.
Genome position (GRCh38, 1-based): chr20:31,821,684, T>C. VCF-style: chr20-31821684-T-C. GRCh37 (hg19) VCF-style: chr20-30409487-T-C.
Other names: short protein forms V240A.
Identifiers: ClinVar variation 164503 (VCV000164503.17), dbSNP rs531015124, ClinGen allele CA177198.